The following is an entry in ClinVar:

ClinVar aggregate classification (germline): Uncertain significance (0 of 4 stars; one submission).

Conditions:
NBEA-related disorder. Also called: NBEA-related condition.

Submission:

PreventionGenetics, part of Exact Sciences
Classification: Uncertain significance for NBEA-related condition. Last evaluated: 2024-05-22. Review status: no assertion criteria provided. Collection method: clinical testing. Allele origin: germline.
Comment: The NBEA c.5359T>G variant is predicted to result in the amino acid substitution p.Phe1787Val. To our knowledge, this variant has not been reported in the literature or in a large population database, indicating this variant is rare. At this time, the clinical significance of this variant is uncertain due to the absence of conclusive functional and genetic evidence.

NM_001385012.1(NBEA):c.5359T>G (p.Phe1787Val)

Gene: NBEA (neurobeachin; plus strand). Cytogenetic location: 13q13.3.
Variant type: single nucleotide variant.
Coding change: c.5359T>G on transcript NM_001385012.1 (MANE Select); coding-DNA position 5359, T replaced by G.
Protein change: p.Phe1787Val; replaces phenylalanine 1787 with valine.
Molecular consequence: missense variant.
Genome position (GRCh38, 1-based): chr13:35,196,295, T>G. VCF-style: chr13-35196295-T-G. GRCh37 (hg19) VCF-style: chr13-35770432-T-G.
Other names: c.5350T>G, p.Phe1784Val (NM_001379245.1); c.5359T>G, p.Phe1787Val (NM_015678.5); short protein forms F1784V, F1787V.
Identifiers: ClinVar variation 3347748 (VCV003347748.1).